The following is an entry in ClinVar:

NM_004360.5(CDH1):c.603T>C (p.Pro201=)

Gene: CDH1 (cadherin 1; plus strand). Cytogenetic location: 16q22.1.
Variant type: single nucleotide variant.
Coding change: c.603T>C on transcript NM_004360.5 (MANE Select); coding-DNA position 603, T replaced by C.
Protein change: p.Pro201=; no amino-acid change (proline 201 retained).
Molecular consequence: synonymous variant. On other transcripts: 5 prime UTR variant (2).
Genome position (GRCh38, 1-based): chr16:68,808,764, T>C. VCF-style: chr16-68808764-T-C. GRCh37 (hg19) VCF-style: chr16-68842667-T-C.
Other names: c.603T>C, p.Pro201= (NM_001317184.2); c.-1013T>C (NM_001317185.2); c.-1217T>C (NM_001317186.2).
Identifiers: ClinVar variation 1591041 (VCV001591041.11), dbSNP rs2152130170, ClinGen allele CA496392384.

ClinVar aggregate classification (germline): Benign/Likely benign. Review status: criteria provided, multiple submitters, no conflicts (2 of 4 stars). 3 submissions from 3 submitters: Benign (1); Likely benign (2). Last evaluated 2024-09-13.

Conditions:
Hereditary cancer-predisposing syndrome. Also called: Hereditary Cancer Syndrome; Tumor predisposition; Neoplastic Syndromes, Hereditary; Hereditary neoplastic syndrome. Identifiers: Orphanet 140162, MedGen C0027672, MeSH D009386, MONDO:0015356.
Hereditary diffuse gastric adenocarcinoma (HDGC). Also called: DIFFUSE GASTRIC AND LOBULAR BREAST CANCER SYNDROME. Identifiers: Orphanet 26106, MedGen C1708349, MONDO:0007648, OMIM 137215.

Submissions (3):

Myriad Genetics, Inc.
Classification: Benign for Hereditary diffuse gastric adenocarcinoma. Last evaluated: 2024-09-13. Review status: criteria provided, single submitter. Criteria: Myriad Autosomal Dominant, Autosomal Recessive and X-Linked Classification Criteria (2023). Collection method: clinical testing. Allele origin: unknown.
Comment: This variant is considered benign. This variant is a silent/synonymous amino acid change and it is not expected to impact splicing.

Labcorp Genetics (formerly Invitae), Labcorp
Classification: Likely benign for Hereditary diffuse gastric adenocarcinoma. Last evaluated: 2023-05-30. Review status: criteria provided, single submitter. Criteria: Invitae Variant Classification Sherloc (09022015). Collection method: clinical testing. Allele origin: germline.

Ambry Genetics
Classification: Likely benign for Hereditary cancer-predisposing syndrome. Last evaluated: 2020-09-03. Review status: criteria provided, single submitter. Criteria: Ambry Variant Classification Scheme 2023. Collection method: clinical testing. Allele origin: germline.